The following is an entry in ClinVar:

NM_001123385.2(BCOR):c.947C>A (p.Pro316His)

Genes: BCOR (BCL6 corepressor; minus strand), LOC126863239 (MED14-independent group 3 enhancer GRCh37_chrX:39932994-39934193; plus strand). Cytogenetic location: Xp11.4.
Variant type: single nucleotide variant.
Coding change: c.947C>A on transcript NM_001123385.2 (MANE Select); coding-DNA position 947, C replaced by A.
Protein change: p.Pro316His; replaces proline 316 with histidine.
Molecular consequence: missense variant.
Genome position (GRCh38, 1-based): chrX:40,074,399, G>T on the plus strand (C>A on the coding strand, the complement: BCOR is on the minus strand). VCF-style: chrX-40074399-G-T. GRCh37 (hg19) VCF-style: chrX-39933652-G-T.
Other names: c.947C>A, p.Pro316His (NM_001123383.2, NM_001123384.2, NM_017745.6); short protein forms P316H.
Identifiers: ClinVar variation 1509004 (VCV001509004.9), dbSNP rs747499705, ClinGen allele CA10386989.
Genomic context (GRCh38, chrX:40,074,399, plus strand): 5'-GAGGGGGGCAACAGGAGAGCTGTGTCCCCCGGCAGGCCACTGGTGACCGCCTTGGCAGAG[G>T]GAACCCTGGGCTGCTTACTGTTCTGGATGTGAGGATAGGCGTGGGAATCAACAGGATTCC-3'
Protein context (NP_001116857.1, residues 306-326): HIQNSKQPRV[Pro316His]SAKAVTSGLP

ClinVar aggregate classification (germline): Conflicting classifications of pathogenicity. Review status: criteria provided, conflicting classifications (1 of 4 stars). 2 submissions from 2 submitters: Uncertain significance (1); Likely benign (1). Last evaluated 2026-04-01.

Conditions:
Oculofaciocardiodental syndrome (MCOPS2). Identifiers: Orphanet 2712, MedGen C1846265, MONDO:0010261, OMIM 300166.

Allele frequency attached by ClinVar (database versions not stated): gnomAD exomes 0.00002 and 0.00003; ExAC 0.00003; TOPMed 0.00004.

Submissions (2):

CeGaT Center for Human Genetics Tuebingen
Classification: Likely benign. Last evaluated: 2026-04-01. Review status: criteria provided, single submitter. Criteria: CeGaT Center For Human Genetics Tuebingen Variant Classification Criteria Version 2. Collection method: clinical testing. Allele origin: germline. Affected: yes. Observed: 1 variant allele.
Comment: BCOR: BS2

Labcorp Genetics (formerly Invitae), Labcorp
Classification: Uncertain significance for Oculofaciocardiodental syndrome. Last evaluated: 2022-10-18. Review status: criteria provided, single submitter. Criteria: Invitae Variant Classification Sherloc (09022015). Collection method: clinical testing. Allele origin: germline.
Comment: In summary, the available evidence is currently insufficient to determine the role of this variant in disease. Therefore, it has been classified as a Variant of Uncertain Significance. Algorithms developed to predict the effect of missense changes on protein structure and function are either unavailable or do not agree on the potential impact of this missense change (SIFT: "Deleterious"; PolyPhen-2: "Possibly Damaging"; Align-GVGD: "Class C0"). ClinVar contains an entry for this variant (Variation ID: 1509004). This variant has not been reported in the literature in individuals affected with BCOR-related conditions. This variant is present in population databases (rs747499705, gnomAD 0.02%). This sequence change replaces proline, which is neutral and non-polar, with histidine, which is basic and polar, at codon 316 of the BCOR protein (p.Pro316His).